The following is an entry in ClinVar:

NM_001308093.3(GATA4):c.1243G>C (p.Val415Leu)

Gene: GATA4 (GATA binding protein 4). Cytogenetic location: 8p23.1.
Variant type: single nucleotide variant.
Coding change: c.1243G>C on transcript NM_001308093.3 (MANE Select); coding-DNA position 1243, G replaced by C.
Protein change: p.Val415Leu; replaces valine 415 with leucine.
Molecular consequence: missense variant.
Genome position (GRCh38, 1-based): chr8:11,758,386, G>C. VCF-style: chr8-11758386-G-C. GRCh37 (hg19) VCF-style: chr8-11615895-G-C.
Other names: c.622G>C, p.Val208Leu (NM_001308094.2, NM_001374273.1); c.496G>C, p.Val166Leu (NM_001374274.1); c.1240G>C, p.Val414Leu (NM_002052.5); short protein forms V166L, V414L, V415L, V208L.
Identifiers: ClinVar variation 2523916 (VCV002523916.5), dbSNP rs900347264, ClinGen allele CA370315709.

ClinVar aggregate classification (germline): Uncertain significance. Review status: criteria provided, multiple submitters, no conflicts (2 of 4 stars). 2 submissions from 2 submitters: Uncertain significance (2). Last evaluated 2024-07-30.

Conditions:
Atrioventricular septal defect 4 (AVSD4). Identifiers: MedGen C3280781, MONDO:0013747, OMIM 614430.
Cardiovascular phenotype. Identifiers: MedGen CN230736.

Submissions (2):

Labcorp Genetics (formerly Invitae), Labcorp
Classification: Uncertain significance for Atrioventricular septal defect 4. Last evaluated: 2024-07-30. Review status: criteria provided, single submitter. Criteria: Invitae Variant Classification Sherloc (09022015). Collection method: clinical testing. Allele origin: germline.
Comment: This sequence change replaces valine, which is neutral and non-polar, with leucine, which is neutral and non-polar, at codon 414 of the GATA4 protein (p.Val414Leu). This variant is present in population databases (no rsID available, gnomAD 0.006%). This variant has not been reported in the literature in individuals affected with GATA4-related conditions. ClinVar contains an entry for this variant (Variation ID: 2523916). An algorithm developed to predict the effect of missense changes on protein structure and function (PolyPhen-2) suggests that this variant is likely to be tolerated. In summary, the available evidence is currently insufficient to determine the role of this variant in disease. Therefore, it has been classified as a Variant of Uncertain Significance.

Ambry Genetics
Classification: Uncertain significance for Cardiovascular phenotype. Last evaluated: 2023-06-07. Review status: criteria provided, single submitter. Criteria: Ambry Variant Classification Scheme 2023. Collection method: clinical testing. Allele origin: germline.